The following is an entry in ClinVar:

NM_000138.5(FBN1):c.2056G>A (p.Ala686Thr)

Gene: FBN1 (fibrillin 1; minus strand). Cytogenetic location: 15q21.1.
Variant type: single nucleotide variant.
Coding change: c.2056G>A on transcript NM_000138.5 (MANE Select); coding-DNA position 2056, G replaced by A.
Protein change: p.Ala686Thr; replaces alanine 686 with threonine.
Molecular consequence: missense variant.
Genome position (GRCh38, 1-based): chr15:48,503,844, C>T on the plus strand (G>A on the coding strand, the complement: FBN1 is on the minus strand). VCF-style: chr15-48503844-C-T. GRCh37 (hg19) VCF-style: chr15-48796041-C-T.
Other names: short protein forms A686T.
Identifiers: ClinVar variation 161242 (VCV000161242.25), dbSNP rs377621293, ClinGen allele CA012746.
Genomic context (GRCh38, chr15:48,503,844, plus strand): 5'-TACCTGAATTCTGTGCAGGACACGGCTGGCAAGGTTCCCCAAATGCATACTCAGTGCTGG[C>T]GCAACAGCATTCAGATTTAGTGACAGCACCAAACAAAGGTTTGATACACTGGCCTCTCTT-3'
Protein context (NP_000129.3, residues 676-696): GAVTKSECCC[Ala686Thr]STEYAFGEPC

ClinVar aggregate classification (germline): Conflicting classifications of pathogenicity. Review status: criteria provided, conflicting classifications (1 of 4 stars). 9 submissions from 9 submitters: Uncertain significance (5); Likely benign (3). 1 of the submissions does not count toward it. Last evaluated 2025-05-14.

Conditions:
Marfan syndrome (MFS). Also called: Marfan syndrome, classic; FBN1-Related Marfan Syndrome; Marfan syndrome type 1; Marfan's syndrome; MARFAN SYNDROME, TYPE I. Identifiers: Orphanet 284963, Orphanet 558, MedGen C0024796, MONDO:0007947, OMIM 154700.
MASS syndrome (OCTD). Also called: OVERLAP CONNECTIVE TISSUE DISEASE; MASS PHENOTYPE. Identifiers: MedGen C1858556, MONDO:0011431, OMIM 604308.
Weill-Marchesani syndrome 2, dominant. Also called: Weill-Marchesani Syndrome, Autosomal Dominant; FBN1-Related Weill-Marchesani Syndrome. Identifiers: Orphanet 2084, MedGen C1869115, MONDO:0012013, OMIM 608328.
Acromicric dysplasia (ACMICD). Also called: Acromicric skeletal dysplasia. Identifiers: Orphanet 969, MedGen C0265287, MONDO:0007055, OMIM 102370.
Ectopia lentis 1, isolated, autosomal dominant (ECTOL1). Identifiers: Orphanet 1885, MedGen C3541518, MONDO:0007514, OMIM 129600.
Stiff skin syndrome (SSKS). Identifiers: Orphanet 2833, MedGen C1861456, MONDO:0008492, OMIM 184900.
Geleophysic dysplasia 2 (GPHYSD2). Identifiers: Orphanet 2623, MedGen C3280054, MONDO:0013612, OMIM 614185.
Progeroid and marfanoid aspect-lipodystrophy syndrome. Also called: MARFANOID-PROGEROID SYNDROME; MARFAN-PROGEROID-LIPODYSTROPHY SYNDROME; Marfan lipodystrophy syndrome; MARFANOID-PROGEROID-LIPODYSTROPHY SYNDROME. Identifiers: Orphanet 300382, MedGen C4310796, MONDO:0014831, OMIM 616914.
Familial thoracic aortic aneurysm and aortic dissection (TAAD). Also called: Thoracic aortic aneurysms and dissections. Identifiers: Orphanet 91387, MedGen C4707243, MONDO:0019625.
FBN1-related disorder. Also called: FBN1-related disorders.

Allele frequency attached by ClinVar (database versions not stated): ESP Exome Variant Server 0.00008; TOPMed 0.00002; gnomAD exomes 0.00007 and 0.00003; ExAC 0.00008; gnomAD 0.00003.
gnomAD v4.1: 47 of 1,614,040 alleles (0.0029%); highest among the groups gnomAD compares: East Asian, 0.025%; no homozygotes.

Submissions (9):

Labcorp Genetics (formerly Invitae), Labcorp
Classification: Likely benign for Marfan syndrome; Familial thoracic aortic aneurysm and aortic dissection. Last evaluated: 2025-05-14. Review status: criteria provided, single submitter. Criteria: Invitae Variant Classification Sherloc (09022015). Collection method: clinical testing. Allele origin: germline.

PreventionGenetics, part of Exact Sciences
Classification: Likely benign for FBN1-related condition. Last evaluated: 2025-01-14. Review status: criteria provided, single submitter. Criteria: ACMG Guidelines, 2015. Collection method: clinical testing. Allele origin: germline.
Comment: This variant is classified as likely benign based on ACMG/AMP sequence variant interpretation guidelines (Richards et al. 2015 PMID: 25741868, with internal and published modifications).

All of Us Research Program, National Institutes of Health
Classification: Uncertain significance for Marfan syndrome. Last evaluated: 2024-07-29. Review status: criteria provided, single submitter. Criteria: ACMG Guidelines, 2015. Collection method: clinical testing. Allele origin: germline. Inheritance: Autosomal dominant inheritance. Observed: 4 variant alleles, 4 heterozygotes.
Comment: This missense variant replaces alanine with threonine at codon 686 of the FBN1 protein. Computational prediction is inconclusive regarding the impact of this variant on protein structure and function (internally defined REVEL score threshold 0.5 < inconclusive < 0.7, PMID: 27666373). To our knowledge, functional studies have not been reported for this variant. This variant has been reported in an individual affected with severe Marfan or Loeys-Dietz syndrome with cardiac involvement (PMID: 24199744) and in an individual affected with thoracic aortic aneurysm and dissection (PMID: 28855619). This variant has also been identified in 20/282852 chromosomes (15/19952 East Asian chromosomes) in the general population by the Genome Aggregation Database (gnomAD). The available evidence is insufficient to determine the role of this variant in disease conclusively. Therefore, this variant is classified as a Variant of Uncertain Significance.

This study involves interpretation of variants in research participants for the purpose of population health screening. Participant phenotype was not available at the time of variant classification. Additional details can be found in publication PMID: 35346344, PMCID: PMC8962531

Color Diagnostics, LLC DBA Color Health
Classification: Uncertain significance for Familial thoracic aortic aneurysm and aortic dissection. Last evaluated: 2023-11-20. Review status: criteria provided, single submitter. Criteria: ACMG Guidelines, 2015. Collection method: clinical testing. Allele origin: germline.
Comment: This missense variant replaces alanine with threonine at codon 686 of the FBN1 protein. Computational prediction is inconclusive regarding the impact of this variant on protein structure and function (internally defined REVEL score threshold 0.5 < inconclusive < 0.7, PMID: 27666373). To our knowledge, functional studies have not been reported for this variant. This variant has been reported in an individual affected with severe Marfan or Loeys-Dietz syndrome with cardiac involvement (PMID: 24199744) and in an individual affected with thoracic aortic aneurysm and dissection (PMID: 28855619). This variant has also been identified in 20/282852 chromosomes (15/19952 East Asian chromosomes) in the general population by the Genome Aggregation Database (gnomAD). The available evidence is insufficient to determine the role of this variant in disease conclusively. Therefore, this variant is classified as a Variant of Uncertain Significance.

Fulgent Genetics
Classification: Uncertain significance for Acromicric dysplasia; Ectopia lentis 1, isolated, autosomal dominant; Marfan syndrome; Stiff skin syndrome; MASS syndrome; Weill-Marchesani syndrome 2, dominant; Geleophysic dysplasia 2; Progeroid and marfanoid aspect-lipodystrophy syndrome. Last evaluated: 2021-10-05. Review status: criteria provided, single submitter. Criteria: ACMG Guidelines, 2015. Collection method: clinical testing. Allele origin: unknown.

GeneDx
Classification: Uncertain significance. Last evaluated: 2019-05-23. Review status: criteria provided, single submitter. Criteria: GeneDx Variant Classification Process June 2021. Collection method: clinical testing. Allele origin: germline. Affected: yes.
Comment: Reported in a patient with some features of Marfan syndrome who did not meet diagnostic criteria for Marfan syndrome (Hung et al., 2009) and in a patient with isolated aortic dissection who harbored additional potentially pathogenic variants (Fang et al., 2017); Reported in ClinVar, but additional evidence is not available (ClinVar Variant ID# 161242; Landrum et al., 2016); Does not affect a cysteine residue within a calcium-binding EGF-like domain of the FBN1 gene; cysteine substitutions in the calcium-binding EGF-like domains represent the majority of pathogenic missense changes associated with FBN1 related disorders (Collod-Beroud et al., 2003); In silico analysis, which includes protein predictors and evolutionary conservation, supports a deleterious effect; This variant is associated with the following publications: (PMID: 19839986, 25637381, 25812041, 24941995, 28855619)

Blueprint Genetics
Classification: Uncertain significance. Last evaluated: 2019-03-26. Review status: criteria provided, single submitter. Criteria: ACMG Guidelines, 2015. Collection method: clinical testing. Allele origin: germline.

Ambry Genetics
Classification: Likely benign for Familial thoracic aortic aneurysm and aortic dissection. Last evaluated: 2018-11-07. Review status: criteria provided, single submitter. Criteria: Ambry Variant Classification Scheme 2023. Collection method: clinical testing. Allele origin: germline.

CSER _CC_NCGL, University of Washington
Classification: Uncertain significance for Marfan syndrome. Last evaluated: 2014-06-01. Review status: no assertion criteria provided. Collection method: research. Allele origin: germline. Inheritance: Autosomal dominant inheritance. Study: ESP 6500 variant annotation. Not counted in ClinVar's aggregate classification.
Comment: Variants classified for the Actionable exomic incidental findings in 6503 participants: challenges of variant classification manuscript

Literature cited by the submitters: PubMed 24199744 (cited by 3 submitters); PubMed 28855619 (cited by 3 submitters); PubMed 19293843 (cited by Ambry Genetics); PubMed 19839986 (cited by Ambry Genetics); PubMed 24941995 (cited by Ambry Genetics); PubMed 25637381 (cited by Ambry Genetics); PubMed 25812041 (cited by Ambry Genetics).